The following is an entry in ClinVar:

ClinVar aggregate classification (germline): Likely benign. Review status: criteria provided, multiple submitters, no conflicts (2 of 4 stars). 4 submissions from 4 submitters: Likely benign (4). Last evaluated 2026-01-13.

Conditions:
Spastic ataxia 2. Also called: Ataxia, spastic, 2, autosomal recessive. Identifiers: Orphanet 397946, MedGen C1969796, MONDO:0012651, OMIM 611302.

Allele frequency attached by ClinVar (database versions not stated): gnomAD exomes 0.00082; TOPMed 0.00098; ESP Exome Variant Server 0.00115; 1000 Genomes Project 30x 0.00016; 1000 Genomes Project 0.00020; ExAC 0.00077.
gnomAD v4.1: 2,225 of 1,611,922 alleles (0.14%); highest among the groups gnomAD compares: Non-Finnish European, 0.17%; 3 homozygotes.

Submissions (4):

Labcorp Genetics (formerly Invitae), Labcorp
Classification: Likely benign for Spastic ataxia 2. Last evaluated: 2026-01-13. Review status: criteria provided, single submitter. Criteria: Invitae Variant Classification Sherloc (09022015). Collection method: clinical testing. Allele origin: germline.

Blueprint Genetics
Classification: Likely benign. Last evaluated: 2024-11-22. Review status: criteria provided, single submitter. Criteria: ACMG Guidelines, 2015. Collection method: clinical testing. Allele origin: germline.

GeneDx
Classification: Likely benign. Last evaluated: 2017-06-21. Review status: criteria provided, single submitter. Criteria: GeneDx Variant Classification (06012015). Collection method: clinical testing. Allele origin: germline. Affected: yes.
Comment: This variant is considered likely benign or benign based on one or more of the following criteria: it is a conservative change, it occurs at a poorly conserved position in the protein, it is predicted to be benign by multiple in silico algorithms, and/or has population frequency not consistent with disease.

Breakthrough Genomics
Classification: Likely benign. Review status: criteria provided, single submitter. Criteria: ACMG Guidelines, 2015. Collection method: not provided. Allele origin: germline. Inheritance: Autosomal recessive inheritance. Affected: yes.

NM_006612.6(KIF1C):c.1937+19C>T

Genes: KIF1C (kinesin family member 1C; plus strand), LOC126862473 (CDK7 strongly-dependent group 2 enhancer GRCh37_chr17:4923264-4924463; plus strand). Cytogenetic location: 17p13.2.
Variant type: single nucleotide variant.
Coding change: c.1937+19C>T on transcript NM_006612.6 (MANE Select); 19 bases into the intron after coding-DNA position 1937, C replaced by T.
Molecular consequence: intron variant.
Genome position (GRCh38, 1-based): chr17:5,020,697, C>T. VCF-style: chr17-5020697-C-T. GRCh37 (hg19) VCF-style: chr17-4923992-C-T.
Identifiers: ClinVar variation 518111 (VCV000518111.11), dbSNP rs181358276, ClinGen allele CA8319149.